The following is an entry in ClinVar:

ClinVar aggregate classification (germline): Uncertain significance. Review status: criteria provided, multiple submitters, no conflicts (2 of 4 stars). 3 submissions from 3 submitters: Uncertain significance (3). Last evaluated 2025-01-11.

gnomAD v4.1: 2 of 1,612,208 alleles (0.00012%); highest among the groups gnomAD compares: Non-Finnish European, 0.00017%; no homozygotes.

Submissions (3):

Dasa
Classification: Uncertain significance. Last evaluated: 2025-01-11. Review status: criteria provided, single submitter. Criteria: DASA Assertion Criteria. Collection method: clinical testing. Allele origin: germline.
Comment: NM_007118.4(TRIO):c.9264T>A (p.Phe3088Leu) is a missense variant that results in the substitution of phenylalanine with leucine. This variant is rare in population databases. Computational prediction algorithms are consistent with a benign effect. The currently available literature and clinical evidence are not sufficient to establish a definitive association between this variant and the reported condition. Therefore, this variant is classified as a variant of uncertain significance.

GeneDx
Classification: Uncertain significance. Last evaluated: 2021-06-24. Review status: criteria provided, single submitter. Criteria: GeneDx Variant Classification Process June 2021. Collection method: clinical testing. Allele origin: germline. Affected: yes.
Comment: Not observed at significant frequency in large population cohorts (Lek et al., 2016); In silico analysis supports that this missense variant has a deleterious effect on protein structure/function; Has not been previously published as pathogenic or benign to our knowledge; This variant is associated with the following publications: (PMID: 27535533)

Blueprint Genetics
Classification: Uncertain significance. Last evaluated: 2020-09-29. Review status: criteria provided, single submitter. Criteria: ACMG Guidelines, 2015. Collection method: clinical testing. Allele origin: germline.

NM_007118.4(TRIO):c.9264T>A (p.Phe3088Leu)

Gene: TRIO (trio Rho guanine nucleotide exchange factor; plus strand). Cytogenetic location: 5p15.2.
Variant type: single nucleotide variant.
Coding change: c.9264T>A on transcript NM_007118.4 (MANE Select); coding-DNA position 9264, T replaced by A.
Protein change: p.Phe3088Leu; replaces phenylalanine 3088 with leucine.
Molecular consequence: missense variant. On other transcripts: non-coding transcript variant (1).
Genome position (GRCh38, 1-based): chr5:14,508,392, T>A. VCF-style: chr5-14508392-T-A. GRCh37 (hg19) VCF-style: chr5-14508501-T-A.
Other names: short protein forms F3088L.
Identifiers: ClinVar variation 1329605 (VCV001329605.5), dbSNP rs983114845, ClinGen allele CA114017916.